The following is an entry in ClinVar:

ClinVar aggregate classification (germline): Uncertain significance (1 of 4 stars; one submission).

Allele frequency attached by ClinVar (database versions not stated): gnomAD exomes below 0.00001; ExAC 0.00001.
gnomAD v4.1: 5 of 1,613,894 alleles (0.00031%); highest among the groups gnomAD compares: Non-Finnish European, 0.00042%; no homozygotes.

Submission:

Labcorp Genetics (formerly Invitae), Labcorp
Classification: Uncertain significance. Last evaluated: 2024-03-11. Review status: criteria provided, single submitter. Criteria: Invitae Variant Classification Sherloc (09022015). Collection method: clinical testing. Allele origin: germline.
Comment: This sequence change replaces leucine, which is neutral and non-polar, with valine, which is neutral and non-polar, at codon 619 of the PCDH15 protein (p.Leu619Val). This variant is present in population databases (rs779781651, gnomAD 0.0009%). This variant has not been reported in the literature in individuals affected with PCDH15-related conditions. ClinVar contains an entry for this variant (Variation ID: 1346138). Advanced modeling of protein sequence and biophysical properties (such as structural, functional, and spatial information, amino acid conservation, physicochemical variation, residue mobility, and thermodynamic stability) performed at Invitae indicates that this missense variant is not expected to disrupt PCDH15 protein function with a negative predictive value of 80%. Algorithms developed to predict the effect of sequence changes on RNA splicing suggest that this variant may create or strengthen a splice site. In summary, the available evidence is currently insufficient to determine the role of this variant in disease. Therefore, it has been classified as a Variant of Uncertain Significance.

NM_001384140.1(PCDH15):c.1855C>G (p.Leu619Val)

Gene: PCDH15 (protocadherin related 15; minus strand). Cytogenetic location: 10q21.1.
Variant type: single nucleotide variant.
Coding change: c.1855C>G on transcript NM_001384140.1 (MANE Select); coding-DNA position 1855, C replaced by G.
Protein change: p.Leu619Val; replaces leucine 619 with valine.
Molecular consequence: missense variant. On other transcripts: intron variant (1).
Genome position (GRCh38, 1-based): chr10:54,132,937, G>C on the plus strand (C>G on the coding strand, the complement: PCDH15 is on the minus strand). VCF-style: chr10-54132937-G-C. GRCh37 (hg19) VCF-style: chr10-55892697-G-C.
Other names: c.1870C>G, p.Leu624Val (NM_001142763.2, NM_001142771.2); c.1855C>G, p.Leu619Val (NM_001142764.2, NM_001142766.2, NM_001142770.3 and 5 more transcripts); c.1744C>G, p.Leu582Val (NM_001142767.2); c.1789C>G, p.Leu597Val (NM_001142768.2, NM_001142773.2, NM_001354404.2); c.1891C>G, p.Leu631Val (NM_001142769.4); c.1876C>G, p.Leu626Val (NM_001354411.2); c.1784+20163C>G (NM_001142765.2); short protein forms L619V, L631V, L582V, L597V, L624V, L626V.
Identifiers: ClinVar variation 1346138 (VCV001346138.5), dbSNP rs779781651, ClinGen allele CA5506242.